The following is an entry in ClinVar:

ClinVar aggregate classification (germline): Uncertain significance (1 of 4 stars; one submission).

Conditions:
Kabuki syndrome. Also called: Kabuki make-up syndrome; NIIKAWA-KUROKI SYNDROME. Identifiers: Orphanet 2322, MedGen C0796004, MONDO:0016512.

Submission:

Labcorp Genetics (formerly Invitae), Labcorp
Classification: Uncertain significance for Kabuki syndrome. Last evaluated: 2022-10-19. Review status: criteria provided, single submitter. Criteria: Invitae Variant Classification Sherloc (09022015). Collection method: clinical testing. Allele origin: germline.
Comment: This variant has not been reported in the literature in individuals affected with KMT2D-related conditions. This sequence change replaces cysteine, which is neutral and slightly polar, with arginine, which is basic and polar, at codon 189 of the KMT2D protein (p.Cys189Arg). This variant is not present in population databases (gnomAD no frequency). Advanced modeling of protein sequence and biophysical properties (such as structural, functional, and spatial information, amino acid conservation, physicochemical variation, residue mobility, and thermodynamic stability) performed at Invitae indicates that this missense variant is expected to disrupt KMT2D protein function. In summary, the available evidence is currently insufficient to determine the role of this variant in disease. Therefore, it has been classified as a Variant of Uncertain Significance.

NM_003482.4(KMT2D):c.565T>C (p.Cys189Arg)

Gene: KMT2D (lysine methyltransferase 2D; minus strand). Cytogenetic location: 12q13.12.
Variant type: single nucleotide variant.
Coding change: c.565T>C on transcript NM_003482.4 (MANE Select); coding-DNA position 565, T replaced by C.
Protein change: p.Cys189Arg; replaces cysteine 189 with arginine.
Molecular consequence: missense variant.
Genome position (GRCh38, 1-based): chr12:49,054,086, A>G on the plus strand (T>C on the coding strand, the complement: KMT2D is on the minus strand). VCF-style: chr12-49054086-A-G. GRCh37 (hg19) VCF-style: chr12-49447869-A-G.
Other names: short protein forms C189R.
Identifiers: ClinVar variation 1721837 (VCV001721837.5), dbSNP rs2120704307, ClinGen allele CA384685673.